The following is an entry in ClinVar:

ClinVar aggregate classification (germline): Uncertain significance. Review status: criteria provided, multiple submitters, no conflicts (2 of 4 stars). 2 submissions from 2 submitters: Uncertain significance (2). Last evaluated 2025-04-22.

Conditions:
Inborn genetic diseases. Identifiers: MedGen C0950123, MeSH D030342.
Dyskeratosis congenita, autosomal dominant 6 (DKCA6). Identifiers: Orphanet 3322, MedGen C4225284, MONDO:0014690, OMIM 616553.

Allele frequency attached by ClinVar (database versions not stated): gnomAD exomes below 0.00001; ExAC 0.00002; TOPMed below 0.00001; gnomAD 0.00001.

Submissions (2):

Labcorp Genetics (formerly Invitae), Labcorp
Classification: Uncertain significance for Dyskeratosis congenita, autosomal dominant 6. Last evaluated: 2025-04-22. Review status: criteria provided, single submitter. Criteria: Invitae Variant Classification Sherloc (09022015). Collection method: clinical testing. Allele origin: germline.
Comment: This sequence change replaces leucine, which is neutral and non-polar, with arginine, which is basic and polar, at codon 50 of the ACD protein (p.Leu50Arg). This variant is present in population databases (rs775299013, gnomAD 0.01%). This variant has not been reported in the literature in individuals affected with ACD-related conditions. ClinVar contains an entry for this variant (Variation ID: 1773970). An algorithm developed to predict the effect of missense changes on protein structure and function (PolyPhen-2) suggests that this variant is likely to be disruptive. In summary, the available evidence is currently insufficient to determine the role of this variant in disease. Therefore, it has been classified as a Variant of Uncertain Significance.

Ambry Genetics
Classification: Uncertain significance for Inborn genetic diseases. Last evaluated: 2022-01-29. Review status: criteria provided, single submitter. Criteria: Ambry Variant Classification Scheme 2023. Collection method: clinical testing. Allele origin: germline.
Comment: The p.L50R variant (also known as c.149T>G), located in coding exon 1 of the ACD gene, results from a T to G substitution at nucleotide position 149. The leucine at codon 50 is replaced by arginine, an amino acid with dissimilar properties. This amino acid position is conserved. In addition, the in silico prediction for this alteration is inconclusive. Since supporting evidence is limited at this time, the clinical significance of this alteration remains unclear.

NC_000016.10:g.67660330A>C

Genes: ACD (ACD shelterin complex subunit and telomerase recruitment factor; minus strand), LOC130059224 (ATAC-STARR-seq lymphoblastoid silent region 7617; plus strand). Cytogenetic location: 16q22.1.
Variant type: single nucleotide variant.
Genome position: GRCh38 VCF-style: chr16-67660330-A-C. GRCh37 (hg19) VCF-style: chr16-67694233-A-C.
Other names: short protein forms L50R.
Identifiers: ClinVar variation 1773970 (VCV001773970.5), dbSNP rs775299013, ClinGen allele CA8114893.